The following is an entry in ClinVar:

ClinVar aggregate classification (germline): Uncertain significance (1 of 4 stars; one submission).

Conditions:
Inborn genetic diseases. Identifiers: MedGen C0950123, MeSH D030342.

gnomAD v4.1: 2 of 1,570,954 alleles (0.00013%); highest among the groups gnomAD compares: Admixed American, 0.0036%; no homozygotes.

Submission:

Ambry Genetics
Classification: Uncertain significance for Inborn genetic diseases. Last evaluated: 2023-09-14. Review status: criteria provided, single submitter. Criteria: Ambry Variant Classification Scheme 2023. Collection method: clinical testing. Allele origin: germline.
Comment: The p.P356S variant (also known as c.1066C>T), located in coding exon 9 of the ACD gene, results from a C to T substitution at nucleotide position 1066. The proline at codon 356 is replaced by serine, an amino acid with similar properties. This amino acid position is conserved. In addition, this alteration is predicted to be tolerated by in silico analysis. Since supporting evidence is limited at this time, the clinical significance of this alteration remains unclear.

NM_001082486.2(ACD):c.808C>T (p.Pro270Ser)

Gene: ACD (ACD shelterin complex subunit and telomerase recruitment factor; minus strand). Cytogenetic location: 16q22.1.
Variant type: single nucleotide variant.
Coding change: c.808C>T on transcript NM_001082486.2 (MANE Select); coding-DNA position 808, C replaced by T.
Protein change: p.Pro270Ser; replaces proline 270 with serine.
Molecular consequence: missense variant. On other transcripts: intron variant (1).
Genome position (GRCh38, 1-based): chr16:67,658,576, G>A on the plus strand (C>T on the coding strand, the complement: ACD is on the minus strand). VCF-style: chr16-67658576-G-A. GRCh37 (hg19) VCF-style: chr16-67692479-G-A.
Other names: c.799C>T, p.Pro267Ser (NM_022914.3); c.742+144C>T (NM_001410884.1); short protein forms P270S, P267S.
Identifiers: ClinVar variation 2602903 (VCV002602903.2), dbSNP rs776932197, ClinGen allele CA396353178.